The following is an entry in ClinVar:

NM_000062.3(SERPING1):c.198G>A (p.Pro66=)

Gene: SERPING1 (serpin family G member 1; plus strand). Cytogenetic location: 11q12.1.
Variant type: single nucleotide variant.
Coding change: c.198G>A on transcript NM_000062.3 (MANE Select); coding-DNA position 198, G replaced by A.
Protein change: p.Pro66=; no amino-acid change (proline 66 retained).
Molecular consequence: synonymous variant.
Genome position (GRCh38, 1-based): chr11:57,600,025, G>A. VCF-style: chr11-57600025-G-A. GRCh37 (hg19) VCF-style: chr11-57367498-G-A.
Other names: c.198G>A, p.Pro66= (NM_001032295.2).
Identifiers: ClinVar variation 2069124 (VCV002069124.28), dbSNP rs774845024, ClinGen allele CA6007997.

ClinVar aggregate classification (germline): Likely benign. Review status: criteria provided, multiple submitters, no conflicts (2 of 4 stars). 2 submissions from 2 submitters: Likely benign (2). Last evaluated 2025-12-29.

Allele frequency attached by ClinVar (database versions not stated): gnomAD exomes 0.00006; ExAC 0.00007; TOPMed 0.00008; gnomAD 0.00009.
gnomAD v4.1: 103 of 1,613,998 alleles (0.0064%); highest among the groups gnomAD compares: South Asian, 0.045%; no homozygotes.

Submissions (2):

Labcorp Genetics (formerly Invitae), Labcorp
Classification: Likely benign. Last evaluated: 2025-12-29. Review status: criteria provided, single submitter. Criteria: Invitae Variant Classification Sherloc (09022015). Collection method: clinical testing. Allele origin: germline.

CeGaT Center for Human Genetics Tuebingen
Classification: Likely benign. Last evaluated: 2022-11-01. Review status: criteria provided, single submitter. Criteria: CeGaT Center For Human Genetics Tuebingen Variant Classification Criteria Version 2. Collection method: clinical testing. Allele origin: germline. Affected: yes. Observed: 1 variant allele.
Comment: SERPING1: BP4, BP7